The following is an entry in ClinVar:

ClinVar aggregate classification (germline): Uncertain significance (1 of 4 stars; one submission).

Conditions:
PLXNA3-related disorder. Also called: PLXNA3-related condition.

Submission:

PreventionGenetics, part of Exact Sciences
Classification: Uncertain significance for PLXNA3-related condition. Last evaluated: 2025-06-04. Review status: criteria provided, single submitter. Criteria: ACMG Guidelines, 2015. Collection method: clinical testing. Allele origin: germline.
Comment: The PLXNA3 c.3079C>T variant is predicted to result in the amino acid substitution p.Arg1027Cys. To our knowledge, this variant has not been reported in the literature or in a large population database (gnomAD), indicating this variant is rare. At this time, the clinical significance of this variant is uncertain due to the absence of conclusive functional and genetic evidence.

NM_017514.5(PLXNA3):c.3079C>T (p.Arg1027Cys)

Gene: PLXNA3 (plexin A3; plus strand). Cytogenetic location: Xq28.
Variant type: single nucleotide variant.
Coding change: c.3079C>T on transcript NM_017514.5 (MANE Select); coding-DNA position 3079, C replaced by T.
Protein change: p.Arg1027Cys; replaces arginine 1027 with cysteine.
Molecular consequence: missense variant.
Genome position (GRCh38, 1-based): chrX:154,466,765, C>T. VCF-style: chrX-154466765-C-T. GRCh37 (hg19) VCF-style: chrX-153695108-C-T.
Other names: short protein forms R1027C.
Identifiers: ClinVar variation 4990400 (VCV004990400.1).